The following is an entry in ClinVar:

ClinVar aggregate classification (germline): Uncertain significance (1 of 4 stars; one submission).

Conditions:
Weaver syndrome (WVS). Also called: Weaver Smith syndrome; Overgrowth syndrome with accelerated skeletal maturation, unusual facies, and camptodactyly. Identifiers: Orphanet 3447, MedGen C0265210, MONDO:0010193, OMIM 277590.

Submission:

Labcorp Genetics (formerly Invitae), Labcorp
Classification: Uncertain significance for Weaver syndrome. Last evaluated: 2022-06-01. Review status: criteria provided, single submitter. Criteria: Invitae Variant Classification Sherloc (09022015). Collection method: clinical testing. Allele origin: germline.
Comment: This variant is not present in population databases (gnomAD no frequency). In summary, the available evidence is currently insufficient to determine the role of this variant in disease. Therefore, it has been classified as a Variant of Uncertain Significance. Advanced modeling of protein sequence and biophysical properties (such as structural, functional, and spatial information, amino acid conservation, physicochemical variation, residue mobility, and thermodynamic stability) performed at Invitae indicates that this missense variant is not expected to disrupt EZH2 protein function. This variant has not been reported in the literature in individuals affected with EZH2-related conditions. This sequence change replaces alanine, which is neutral and non-polar, with threonine, which is neutral and polar, at codon 237 of the EZH2 protein (p.Ala237Thr).

NM_004456.5(EZH2):c.709G>A (p.Ala237Thr)

Gene: EZH2 (enhancer of zeste 2 polycomb repressive complex 2 subunit; minus strand). Cytogenetic location: 7q36.1.
Variant type: single nucleotide variant.
Coding change: c.709G>A on transcript NM_004456.5 (MANE Select); coding-DNA position 709, G replaced by A.
Protein change: p.Ala237Thr; replaces alanine 237 with threonine.
Molecular consequence: missense variant.
Genome position (GRCh38, 1-based): chr7:148,827,183, C>T on the plus strand (G>A on the coding strand, the complement: EZH2 is on the minus strand). VCF-style: chr7-148827183-C-T. GRCh37 (hg19) VCF-style: chr7-148524275-C-T.
Other names: c.709G>A, p.Ala237Thr (NM_001203247.2); c.682G>A, p.Ala228Thr (NM_001203248.2, NM_001203249.2); c.592G>A, p.Ala198Thr (NM_152998.3); short protein forms A198T, A237T, A228T.
Identifiers: ClinVar variation 2155375 (VCV002155375.4), dbSNP rs2537071633, ClinGen allele CA369719581.